The following is an entry in ClinVar:

ClinVar aggregate classification (germline): Pathogenic. Review status: criteria provided, multiple submitters, no conflicts (2 of 4 stars). 4 submissions from 4 submitters: Pathogenic (4). Last evaluated 2025-11-26.

Conditions:
Hereditary spherocytosis type 1. Also called: Spherocytosis type 1; ANK1-Related Spherocytosis. Identifiers: Orphanet 822, MedGen C2674218, MONDO:0008447, OMIM 182900.

Submissions (4):

Labcorp Genetics (formerly Invitae), Labcorp
Classification: Pathogenic. Last evaluated: 2025-11-26. Review status: criteria provided, single submitter. Criteria: Invitae Variant Classification Sherloc (09022015). Collection method: clinical testing. Allele origin: germline.
Comment: This sequence change creates a premature translational stop signal (p.Leu573Cysfs*64) in the ANK1 gene. It is expected to result in an absent or disrupted protein product. Loss-of-function variants in ANK1 are known to be pathogenic (PMID: 8640229). This variant is not present in population databases (gnomAD no frequency). This premature translational stop signal has been observed in individual(s) with spherocytosis (PMID: 11372755, 33083013). This variant is also known as c.1816del. ClinVar contains an entry for this variant (Variation ID: 973528). For these reasons, this variant has been classified as Pathogenic.

Mayo Clinic Laboratories, Mayo Clinic
Classification: Pathogenic. Last evaluated: 2025-01-18. Review status: criteria provided, single submitter. Criteria: ACMG Guidelines, 2015. Collection method: clinical testing. Allele origin: germline. Observed: 8 variant alleles.
Comment: PM2_supporting, PM6, PS4_moderate, PVS1

Revvity Omics, Revvity
Classification: Pathogenic for Hereditary spherocytosis type 1. Last evaluated: 2021-12-09. Review status: criteria provided, single submitter. Criteria: ACMG Guidelines, 2015. Collection method: clinical testing. Allele origin: germline.

CENTOGENE GmbH and LLC - Guiding Precision Medicine
Classification: Pathogenic for Spherocytosis type 1. Review status: criteria provided, single submitter. Criteria: ACMG Guidelines, 2015. Collection method: clinical testing. Allele origin: de novo. Affected: yes.

Literature cited by the submitters: PubMed 8640229 (cited by Labcorp Genetics (formerly Invitae), Labcorp); PubMed 11372755 (cited by Labcorp Genetics (formerly Invitae), Labcorp and Mayo Clinic Laboratories, Mayo Clinic); PubMed 33083013 (cited by Labcorp Genetics (formerly Invitae), Labcorp and Mayo Clinic Laboratories, Mayo Clinic); PubMed 26830532 (cited by Mayo Clinic Laboratories, Mayo Clinic); PubMed 29572776 (cited by Mayo Clinic Laboratories, Mayo Clinic); PubMed 30486584 (cited by Mayo Clinic Laboratories, Mayo Clinic); PubMed 32436265 (cited by Mayo Clinic Laboratories, Mayo Clinic).

NM_000037.4(ANK1):c.1717del (p.Leu573fs)

Genes: ANK1 (ankyrin 1; minus strand), LOC126860369 (BRD4-independent group 4 enhancer GRCh37_chr8:41570734-41571933; plus strand). Cytogenetic location: 8p11.21.
Variant type: Deletion.
Coding change: c.1717del on transcript NM_000037.4 (MANE Select); coding-DNA position 1717, one base deleted (C; older notation c.1717delC).
Protein change: p.Leu573fs; shifts the reading frame from leucine 573.
Molecular consequence: frameshift variant.
Genome position (GRCh38, 1-based): chr8:41,714,239, G deleted on the plus strand (C on the coding strand, the reverse complement: ANK1 is on the minus strand); the first of 6 consecutive G bases (chr8:41,714,239-41,714,244); deleting any one gives the same sequence. VCF-style (leftmost placement, unchanged base first): chr8-41714238-AG-A. GRCh37 (hg19) VCF-style: chr8-41571756-AG-A.
Other names: p.Leu573Cysfs*64; c.1816del, p.Leu606fs (NM_001142446.2); c.1717del, p.Leu573fs (NM_020475.3, NM_020476.3, NM_020477.3); short protein forms L573fs, L606fs.
Identifiers: ClinVar variation 973528 (VCV000973528.12), dbSNP rs1826989524, ClinGen allele CA1139660478.
Genomic context (GRCh38, chr8:41,714,238, plus strand): 5'-CCGCCCCGGGGAAGCAGCAGCTTGACGATGTCCAGGTTGTTGTGATGGACGGCCACGTGC[AG>A]GGGGGTCAGGCCATTCTGCAGGGGACAAAGACAAAAGAGGCCGGCTGTCACTCCCACGGA-3'